The following is an entry in ClinVar:

ClinVar aggregate classification (germline): Likely benign. Review status: criteria provided, single submitter (1 of 4 stars). 2 submissions from 2 submitters: Likely benign (1). 1 of the submissions does not count toward it. Last evaluated 2024-01-18.

Conditions:
TGM1-related disorder. Also called: TGM1-related condition.

Allele frequency attached by ClinVar (database versions not stated): ExAC 0.00004; gnomAD exomes 0.00004 and 0.00007; gnomAD 0.00005; TOPMed 0.00006.

Submissions (2):

Labcorp Genetics (formerly Invitae), Labcorp
Classification: Likely benign. Last evaluated: 2024-01-18. Review status: criteria provided, single submitter. Criteria: Invitae Variant Classification Sherloc (09022015). Collection method: clinical testing. Allele origin: germline.

PreventionGenetics, part of Exact Sciences
Classification: Likely benign for TGM1-related condition. Last evaluated: 2019-05-14. Review status: no assertion criteria provided. Collection method: clinical testing. Allele origin: germline. Not counted in ClinVar's aggregate classification.
Comment: This variant is classified as likely benign based on ACMG/AMP sequence variant interpretation guidelines (Richards et al. 2015 PMID: 25741868, with internal and published modifications).

NM_000359.3(TGM1):c.219C>T (p.Ser73=)

Gene: TGM1 (transglutaminase 1; minus strand). Cytogenetic location: 14q12.
Variant type: single nucleotide variant.
Coding change: c.219C>T on transcript NM_000359.3 (MANE Select); coding-DNA position 219, C replaced by T.
Protein change: p.Ser73=; no amino-acid change (serine 73 retained).
Molecular consequence: synonymous variant.
Genome position (GRCh38, 1-based): chr14:24,262,134, G>A on the plus strand (C>T on the coding strand, the complement: TGM1 is on the minus strand). VCF-style: chr14-24262134-G-A. GRCh37 (hg19) VCF-style: chr14-24731340-G-A.
Other names: c.219C>T (NM_000359.2).
Identifiers: ClinVar variation 1112569 (VCV001112569.11), dbSNP rs780515334, ClinGen allele CA7131513.